The following is an entry in ClinVar:

ClinVar aggregate classification (germline): Likely pathogenic (1 of 4 stars; one submission).

Conditions:
Heterotopia, periventricular, X-linked dominant (PVNH1). Also called: PERIVENTRICULAR NODULAR HETEROTOPIA 1; X-linked periventricular heterotopia; PERIVENTRICULAR NODULAR HETEROTOPIA 4; HETEROTOPIA, PERIVENTRICULAR, 1. Identifiers: Orphanet 2149, Orphanet 82004, MedGen C1848213, MONDO:0010233, OMIM 300049.

Submission:

3billion
Classification: Likely pathogenic for Heterotopia, periventricular, X-linked dominant. Last evaluated: 2025-01-10. Review status: criteria provided, single submitter. Criteria: ACMG Guidelines, 2015. Collection method: clinical testing. Allele origin: germline. Affected: yes.
Comment: The variant is not observed in the gnomAD v4.1.0 dataset. Predicted Consequence/Location: Frameshift: predicted to result in a loss or disruption of normal protein function through nonsense-mediated decay (NMD) or protein truncation. Multiple pathogenic variants are reported downstream of the variant. Therefore, this variant is classified as Likely pathogenic according to the recommendation of ACMG/AMP guideline.

NM_001110556.2(FLNA):c.3192del (p.Thr1065fs)

Gene: FLNA (filamin A; minus strand). Cytogenetic location: Xq28.
Variant type: Deletion.
Coding change: c.3192del on transcript NM_001110556.2 (MANE Select); coding-DNA position 3192, one base deleted (C; older notation c.3192delC).
Protein change: p.Thr1065fs; shifts the reading frame from threonine 1065.
Molecular consequence: frameshift variant.
Genome position (GRCh38, 1-based): chrX:154,361,323, G deleted on the plus strand (C on the coding strand, the reverse complement: FLNA is on the minus strand); the first of 5 consecutive G bases (chrX:154,361,323-154,361,327); deleting any one gives the same sequence. VCF-style (leftmost placement, unchanged base first): chrX-154361322-TG-T. GRCh37 (hg19) VCF-style: chrX-153589690-TG-T.
Other names: c.3192del, p.Thr1065fs (NM_001456.4); short protein forms T1065fs.
Identifiers: ClinVar variation 4293776 (VCV004293776.1).